The following is an entry in ClinVar:

NM_006642.5(SDCCAG8):c.1617-5T>C

Gene: SDCCAG8 (SHH signaling and ciliogenesis regulator SDCCAG8; plus strand). Cytogenetic location: 1q43.
Variant type: single nucleotide variant.
Coding change: c.1617-5T>C on transcript NM_006642.5 (MANE Select); 5 bases into the intron before coding-DNA position 1617, T replaced by C.
Molecular consequence: intron variant.
Genome position (GRCh38, 1-based): chr1:243,415,697, T>C. VCF-style: chr1-243415697-T-C. GRCh37 (hg19) VCF-style: chr1-243578999-T-C.
Other names: c.1323-5T>C (NM_001350249.2); c.714-5T>C (NM_001350251.2, NM_001350246.2, NM_001350247.2); c.1713-5T>C (NM_001350248.2); c.1617-5T>C (NM_006642.3).
Identifiers: ClinVar variation 1545384 (VCV001545384.11), dbSNP rs904057670, ClinGen allele CA41008617.

ClinVar aggregate classification (germline): Likely benign. Review status: criteria provided, multiple submitters, no conflicts (2 of 4 stars). 4 submissions from 4 submitters: Likely benign (3). 1 of the submissions does not count toward it. Last evaluated 2025-01-18.

Conditions:
Senior-Loken syndrome 7 (SLSN7). Identifiers: Orphanet 3156, MedGen C3150877, MONDO:0013326, OMIM 613615.
Bardet-Biedl syndrome 16 (BBS16). Identifiers: Orphanet 110, MedGen C3889474, MONDO:0014444, OMIM 615993.
SDCCAG8-related disorder. Also called: SDCCAG8-related condition; SDCCAG8-Related Disorders.

Allele frequency attached by ClinVar (database versions not stated): gnomAD exomes below 0.00001; TOPMed below 0.00001.
gnomAD v4.1: 1 of 1,613,738 alleles (0.000062%); highest among the groups gnomAD compares: African/African-American, 0.0013%; no homozygotes.

Submissions (4):

Labcorp Genetics (formerly Invitae), Labcorp
Classification: Likely benign for Bardet-Biedl syndrome 16; Senior-Loken syndrome 7. Last evaluated: 2025-01-18. Review status: criteria provided, single submitter. Criteria: Invitae Variant Classification Sherloc (09022015). Collection method: clinical testing. Allele origin: germline.

Fulgent Genetics
Classification: Likely benign for Senior-Loken syndrome 7; Bardet-Biedl syndrome 16. Last evaluated: 2021-09-02. Review status: criteria provided, single submitter. Criteria: ACMG Guidelines, 2015. Collection method: clinical testing. Allele origin: unknown.

Blueprint Genetics
Classification: Likely benign. Last evaluated: 2019-09-14. Review status: criteria provided, single submitter. Criteria: ACMG Guidelines, 2015. Collection method: clinical testing. Allele origin: germline.

PreventionGenetics, part of Exact Sciences
Classification: Likely benign for SDCCAG8-related condition. Last evaluated: 2023-02-01. Review status: no assertion criteria provided. Collection method: clinical testing. Allele origin: germline. Not counted in ClinVar's aggregate classification.
Comment: This variant is classified as likely benign based on ACMG/AMP sequence variant interpretation guidelines (Richards et al. 2015 PMID: 25741868, with internal and published modifications).